The following is an entry in ClinVar:

ClinVar aggregate classification (germline): Uncertain significance (1 of 4 stars; one submission).

Conditions:
Pigmentary retinal dystrophy. Also called: Fundus albipunctatus. Identifiers: Orphanet 227796, Orphanet 52427, MedGen C0311338, MONDO:0007639, OMIM 136880, HP:0030642.

Submission:

3billion
Classification: Uncertain significance for Pigmentary retinal dystrophy. Last evaluated: 2024-12-31. Review status: criteria provided, single submitter. Criteria: ACMG Guidelines, 2015. Collection method: clinical testing. Allele origin: germline. Affected: yes.
Comment: The variant is observed at an extremely low frequency in the gnomAD v4.1.0 dataset (total allele frequency: <0.001%). Predicted Consequence/Location: Missense variant In silico tool predictions suggest damaging effect of the variant on gene or gene product [REVEL: 0.80 (>=0.6, sensitivity 0.68 and specificity 0.92)]. Therefore, this variant is classified as VUS according to the recommendation of ACMG/AMP guideline.

NM_000326.5(RLBP1):c.160G>A (p.Glu54Lys)

Gene: RLBP1 (retinaldehyde binding protein 1; minus strand). Cytogenetic location: 15q26.1.
Variant type: single nucleotide variant.
Coding change: c.160G>A on transcript NM_000326.5 (MANE Select); coding-DNA position 160, G replaced by A.
Protein change: p.Glu54Lys; replaces glutamic acid 54 with lysine.
Molecular consequence: missense variant.
Genome position (GRCh38, 1-based): chr15:89,217,306, C>T on the plus strand (G>A on the coding strand, the complement: RLBP1 is on the minus strand). VCF-style: chr15-89217306-C-T. GRCh37 (hg19) VCF-style: chr15-89760537-C-T.
Other names: short protein forms E54K.
Identifiers: ClinVar variation 4293460 (VCV004293460.1).
Genomic context (GRCh38, chr15:89,217,306, plus strand): 5'-CCTGCGCCTGCACCATCTCCTGCAGCTCTCGCACTGCCTCCTCCCGGGTCTCCTCTCTCT[C>T]GTTCAGCTCATCCTTGGCCTAGAACAGGGTGGGGTGTGCATGAAGTTAAACTTAGGTGCG-3'
Protein context (NP_000317.1, residues 44-64): TLQKAKDELN[Glu54Lys]REETREEAVR